The following is an entry in ClinVar:

ClinVar aggregate classification (germline): Uncertain significance (1 of 4 stars; one submission).

Submission:

GeneDx
Classification: Uncertain significance. Last evaluated: 2023-06-07. Review status: criteria provided, single submitter. Criteria: GeneDx Variant Classification Process June 2021. Collection method: clinical testing. Allele origin: germline. Affected: yes.
Comment: Not observed at significant frequency in large population cohorts (gnomAD); In silico analysis supports that this missense variant does not alter protein structure/function; Has not been previously published as pathogenic or benign to our knowledge

NM_001297595.2(SIN3B):c.1481T>A (p.Phe494Tyr)

Gene: SIN3B (SIN3 transcription regulator family member B; plus strand). Cytogenetic location: 19p13.11.
Variant type: single nucleotide variant.
Coding change: c.1481T>A on transcript NM_001297595.2 (MANE Select); coding-DNA position 1481, T replaced by A.
Protein change: p.Phe494Tyr; replaces phenylalanine 494 with tyrosine.
Molecular consequence: missense variant.
Genome position (GRCh38, 1-based): chr19:16,865,507, T>A. VCF-style: chr19-16865507-T-A. GRCh37 (hg19) VCF-style: chr19-16976318-T-A.
Other names: c.251T>A, p.Phe84Tyr (NM_001297597.2); c.1577T>A, p.Phe526Tyr (NM_015260.4); short protein forms F494Y, F526Y, F84Y.
Identifiers: ClinVar variation 3343801 (VCV003343801.1).